The following is an entry in ClinVar:

NM_001042681.2(RERE):c.3582G>A (p.Arg1194=)

Gene: RERE (arginine-glutamic acid dipeptide repeats; minus strand). Cytogenetic location: 1p36.23.
Variant type: single nucleotide variant.
Coding change: c.3582G>A on transcript NM_001042681.2 (MANE Select); coding-DNA position 3582, G replaced by A.
Protein change: p.Arg1194=; no amino-acid change (arginine 1194 retained).
Molecular consequence: synonymous variant.
Genome position (GRCh38, 1-based): chr1:8,359,800, C>T on the plus strand (G>A on the coding strand, the complement: RERE is on the minus strand). VCF-style: chr1-8359800-C-T. GRCh37 (hg19) VCF-style: chr1-8419860-C-T.
Other names: c.3582G>A (NM_012102.3); c.1920G>A, p.Arg640= (NM_001042682.2); c.3582G>A, p.Arg1194= (NM_012102.4).
Identifiers: ClinVar variation 2184184 (VCV002184184.11), dbSNP rs140914406, ClinGen allele CA571099.

ClinVar aggregate classification (germline): Likely benign. Review status: criteria provided, multiple submitters, no conflicts (2 of 4 stars). 4 submissions from 4 submitters: Likely benign (3). 1 of the submissions does not count toward it. Last evaluated 2026-09-01.

Conditions:
RERE-related disorder. Also called: RERE-related condition; RERE-Related Disorders. Identifiers: MedGen CN381537.

Allele frequency attached by ClinVar (database versions not stated): ExAC 0.00012; gnomAD 0.00015; TOPMed 0.00015; ESP Exome Variant Server 0.00023; gnomAD exomes 0.00023.
gnomAD v4.1: 348 of 1,601,180 alleles (0.022%); highest among the groups gnomAD compares: Non-Finnish European, 0.029%; no homozygotes.

Submissions (4):

CeGaT Center for Human Genetics Tuebingen
Classification: Likely benign. Last evaluated: 2026-09-01. Review status: criteria provided, single submitter. Criteria: CeGaT Center For Human Genetics Tuebingen Variant Classification Criteria Version 2. Collection method: clinical testing. Allele origin: germline. Affected: yes. Observed: 2 variant alleles.
Comment: RERE: BP4, BP7

Labcorp Genetics (formerly Invitae), Labcorp
Classification: Likely benign. Last evaluated: 2024-11-21. Review status: criteria provided, single submitter. Criteria: Invitae Variant Classification Sherloc (09022015). Collection method: clinical testing. Allele origin: germline.

Blueprint Genetics
Classification: Likely benign. Last evaluated: 2022-09-09. Review status: criteria provided, single submitter. Criteria: ACMG Guidelines, 2015. Collection method: clinical testing. Allele origin: germline.

PreventionGenetics, part of Exact Sciences
Classification: Likely benign for RERE-related condition. Last evaluated: 2019-03-15. Review status: no assertion criteria provided. Collection method: clinical testing. Allele origin: germline. Not counted in ClinVar's aggregate classification.
Comment: This variant is classified as likely benign based on ACMG/AMP sequence variant interpretation guidelines (Richards et al. 2015 PMID: 25741868, with internal and published modifications).